The following is an entry in ClinVar:

ClinVar aggregate classification (germline): Benign/Likely benign. Review status: criteria provided, multiple submitters, no conflicts (2 of 4 stars). 2 submissions from 2 submitters: Benign (1); Likely benign (1). Last evaluated 2026-09-01.

Allele frequency attached by ClinVar (database versions not stated): 1000 Genomes Project 0.00080; 1000 Genomes Project 30x 0.00203; TOPMed 0.00239; gnomAD exomes 0.00365.
gnomAD v4.1: 1,336 of 397,924 alleles (0.34%); highest among the groups gnomAD compares: Non-Finnish European, 0.32%; 1 homozygote.

Submissions (2):

CeGaT Center for Human Genetics Tuebingen
Classification: Benign. Last evaluated: 2026-09-01. Review status: criteria provided, single submitter. Criteria: CeGaT Center For Human Genetics Tuebingen Variant Classification Criteria Version 2. Collection method: clinical testing. Allele origin: germline. Affected: yes. Observed: 16 variant alleles.
Comment: KCNQ1OT1: BS1, BS2

Blueprint Genetics
Classification: Likely benign. Last evaluated: 2024-11-21. Review status: criteria provided, single submitter. Criteria: ACMG Guidelines, 2015. Collection method: clinical testing. Allele origin: germline.

NM_000218.3(KCNQ1):c.1393+21480C>T

Genes: KCNQ1 (potassium voltage-gated channel subfamily Q member 1; plus strand), KCNQ1OT1 (KCNQ1 opposite strand/antisense transcript 1; minus strand). Cytogenetic location: 11p15.5.
Variant type: single nucleotide variant.
Coding change: c.1393+21480C>T on transcript NM_000218.3 (MANE Select); 21480 bases into the intron after coding-DNA position 1393, C replaced by T.
Molecular consequence: intron variant. On other transcripts: non-coding transcript variant (1).
Genome position (GRCh38, 1-based): chr11:2,610,334, C>T. VCF-style: chr11-2610334-C-T. GRCh37 (hg19) VCF-style: chr11-2631564-C-T.
Other names: c.1123+21480C>T (NM_001406837.1); c.1297+21480C>T (NM_001406836.1); c.853+21480C>T (NM_001406838.1); c.1012+21480C>T (NM_181798.2).
Identifiers: ClinVar variation 2641364 (VCV002641364.25), dbSNP rs144313257, ClinGen allele CA216356134.